The following is an entry in ClinVar:

NM_001289104.2(PRKCSH):c.22C>A (p.Leu8Met)

Genes: PRKCSH (PRKCSH beta subunit of glucosidase II; plus strand), LOC130063575 (ATAC-STARR-seq lymphoblastoid active region 14018; plus strand). Cytogenetic location: 19p13.2.
Variant type: single nucleotide variant.
Coding change: c.22C>A on transcript NM_001289104.2 (MANE Select); coding-DNA position 22, C replaced by A.
Protein change: p.Leu8Met; replaces leucine 8 with methionine.
Molecular consequence: missense variant.
Genome position (GRCh38, 1-based): chr19:11,436,139, C>A. VCF-style: chr19-11436139-C-A. GRCh37 (hg19) VCF-style: chr19-11546960-C-A.
Other names: c.22C>A, p.Leu8Met (NM_001001329.3, NM_001289102.2, NM_001289103.2 and 3 more transcripts); short protein forms L8M.
Identifiers: ClinVar variation 890780 (VCV000890780.8), dbSNP rs747755213, ClinGen allele CA9212632.

ClinVar aggregate classification (germline): Uncertain significance. Review status: criteria provided, multiple submitters, no conflicts (2 of 4 stars). 2 submissions from 2 submitters: Uncertain significance (2). Last evaluated 2025-06-12.

Conditions:
Polycystic liver disease 1 (PCLD1). Also called: Polycystic liver disease 1 with or without kidney cysts. Identifiers: Orphanet 2924, MedGen C0887850, MONDO:0008265, OMIM 174050.

Allele frequency attached by ClinVar (database versions not stated): gnomAD exomes below 0.00001; ExAC 0.00001; gnomAD 0.00001 and 0.00002.
gnomAD v4.1: 6 of 1,608,148 alleles (0.00037%); highest among the groups gnomAD compares: African/African-American, 0.0013%; no homozygotes.

Submissions (2):

Labcorp Genetics (formerly Invitae), Labcorp
Classification: Uncertain significance. Last evaluated: 2025-06-12. Review status: criteria provided, single submitter. Criteria: Invitae Variant Classification Sherloc (09022015). Collection method: clinical testing. Allele origin: germline.
Comment: This sequence change replaces leucine, which is neutral and non-polar, with methionine, which is neutral and non-polar, at codon 8 of the PRKCSH protein (p.Leu8Met). The frequency data for this variant in the population databases is considered unreliable, as metrics indicate poor data quality at this position in the gnomAD database. This variant has not been reported in the literature in individuals affected with PRKCSH-related conditions. ClinVar contains an entry for this variant (Variation ID: 890780). Experimental studies and prediction algorithms are not available or were not evaluated, and the functional significance of this variant is currently unknown. In summary, the available evidence is currently insufficient to determine the role of this variant in disease. Therefore, it has been classified as a Variant of Uncertain Significance.

Illumina Laboratory Services, Illumina
Classification: Uncertain significance for Polycystic liver disease 1. Last evaluated: 2018-01-12. Review status: criteria provided, single submitter. Criteria: ICSL Variant Classification Criteria 13 December 2019. Collection method: clinical testing. Allele origin: germline.